The following is an entry in ClinVar:

ClinVar aggregate classification (germline): Likely benign (0 of 4 stars; one submission).

Conditions:
PDCD1-related disorder. Also called: PDCD1-related condition.

Allele frequency attached by ClinVar (database versions not stated): gnomAD 0.00001; TOPMed 0.00001; ExAC 0.00007.
gnomAD v4.1: 33 of 1,606,356 alleles (0.0021%); highest among the groups gnomAD compares: South Asian, 0.029%; no homozygotes.

Submission:

PreventionGenetics, part of Exact Sciences
Classification: Likely benign for PDCD1-related condition. Last evaluated: 2019-06-28. Review status: no assertion criteria provided. Collection method: clinical testing. Allele origin: germline.
Comment: This variant is classified as likely benign based on ACMG/AMP sequence variant interpretation guidelines (Richards et al. 2015 PMID: 25741868, with internal and published modifications).

NM_005018.3(PDCD1):c.436+10C>T

Gene: PDCD1 (programmed cell death 1; minus strand). Cytogenetic location: 2q37.3.
Variant type: single nucleotide variant.
Coding change: c.436+10C>T on transcript NM_005018.3 (MANE Select); 10 bases into the intron after coding-DNA position 436, C replaced by T.
Molecular consequence: intron variant.
Genome position (GRCh38, 1-based): chr2:241,852,611, G>A on the plus strand (C>T on the coding strand, the complement: PDCD1 is on the minus strand). VCF-style: chr2-241852611-G-A. GRCh37 (hg19) VCF-style: chr2-242794763-G-A.
Identifiers: ClinVar variation 3042975 (VCV003042975.2), dbSNP rs773116311, ClinGen allele CA2223366.